The following is an entry in ClinVar:

NM_007294.4(BRCA1):c.5153-1G>A

Gene: BRCA1 (BRCA1 DNA repair associated; minus strand). Cytogenetic location: 17q21.31.
Variant type: single nucleotide variant.
Coding change: c.5153-1G>A on transcript NM_007294.4 (MANE Select); the canonical splice acceptor site of the intron before coding-DNA position 5153, G replaced by A.
Molecular consequence: splice acceptor variant.
Genome position (GRCh38, 1-based): chr17:43,063,374, C>T on the plus strand (G>A on the coding strand, the complement: BRCA1 is on the minus strand). VCF-style: chr17-43063374-C-T. GRCh37 (hg19) VCF-style: chr17-41215391-C-T.
Other names: IVS18-1G>A; c.1643-1G>A (NM_001408474.1); c.4952-1G>A (NM_001407862.1); c.1832-1G>A (NM_001408409.1); c.5069-1G>A (NM_001407663.1, NM_001407660.1, NM_001407661.1 and 2 more transcripts); c.5072-1G>A (NM_001407658.1, NM_001407656.1, NM_001407657.1); c.5075-1G>A (NM_001407653.1, NM_001407655.1, NM_001407654.1 and 1 more transcripts); c.4814-1G>A (NM_001407958.1, NM_001407956.1, NM_001407957.1); and 73 more.
Identifiers: ClinVar variation 55429 (VCV000055429.30), dbSNP rs80358137, ClinGen allele CA003295.

ClinVar aggregate classification (germline): Pathogenic. Review status: reviewed by expert panel (3 of 4 stars). 13 submissions from 13 submitters: Pathogenic (1). 12 of the submissions do not count toward it. Last evaluated 2019-06-18.

Conditions:
Hereditary cancer-predisposing syndrome. Also called: Hereditary Cancer Syndrome; Hereditary neoplastic syndrome; Neoplastic Syndromes, Hereditary; Tumor predisposition. Identifiers: Orphanet 140162, MedGen C0027672, MeSH D009386, MONDO:0015356.
Breast-ovarian cancer, familial, susceptibility to, 1 (BROVCA1). Also called: BRCA1 Hereditary Breast and Ovarian Cancer; OVARIAN CANCER, SUSCEPTIBILITY TO. Identifiers: Orphanet 145, MedGen C2676676, MONDO:0011450, OMIM 604370. Disease mechanism: loss of function.
Familial cancer of breast. Also called: hereditary breast carcinoma; BREAST CANCER, FAMILIAL; Hereditary breast cancer. Identifiers: Orphanet 227535, MedGen C0346153, MONDO:0016419, OMIM 114480. Disease mechanism: loss of function.
Fanconi anemia, complementation group S (FANCS). Identifiers: MedGen C4554406, MONDO:0054748, OMIM 617883.
Hereditary breast ovarian cancer syndrome. Also called: BRCA1- and BRCA2-Associated Hereditary Breast and Ovarian Cancer; Hereditary breast and ovarian cancer syndrome; Hereditary breast and ovarian cancer syndrome (HBOC); Breast and ovarian cancer; Hereditary breast and/or ovarian cancer syndrome; Hereditary breast and ovarian cancer. Identifiers: Orphanet 145, MedGen C0677776, MeSH D061325, MONDO:0003582. Disease mechanism: loss of function.

Submissions (14):

Evidence-based Network for the Interpretation of Germline Mutant Alleles (ENIGMA)
Classification: Pathogenic for Breast-ovarian cancer, familial, susceptibility to, 1. Last evaluated: 2019-06-18. Review status: reviewed by expert panel. Criteria: ENIGMA BRCA1/2 Classification Criteria (2017-06-29). Collection method: curation. Allele origin: germline.
Comment: IARC class based on posterior probability from multifactorial likelihood analysis, thresholds for class as per Plon et al. 2008 (PMID: 18951446). Class 5 based on posterior probability = 0.991891

Dasa
Classification: Pathogenic for Breast-ovarian cancer, familial, susceptibility to, 1. Last evaluated: 2025-11-21. Review status: criteria provided, single submitter. Criteria: DASA Assertion Criteria. Collection method: clinical testing. Allele origin: germline. Not counted in ClinVar's aggregate classification.
Comment: NM_007294.4(BRCA1):c.5153-1G>A affects a canonical splice site and is predicted to disrupt normal RNA splicing, leading to loss of normal protein function. Loss-of-function is an established mechanism of disease for this gene. Functional evidence supports a deleterious effect on the gene or gene product (PMID: 30209399; PMID: 31131967). This variant has been recurrently observed in individuals with Breast-ovarian cancer, familial, susceptibility to, 1 (PMID: 30209399; PMID: 31131967). The variant is present at low frequency in population datasets. Based on the available data, this variant is classified as pathogenic.

Labcorp Genetics (formerly Invitae), Labcorp
Classification: Pathogenic for Hereditary breast ovarian cancer syndrome. Last evaluated: 2025-09-06. Review status: criteria provided, single submitter. Criteria: Invitae Variant Classification Sherloc (09022015). Collection method: clinical testing. Allele origin: germline. Not counted in ClinVar's aggregate classification.
Comment: This sequence change affects an acceptor splice site in intron 17 of the BRCA1 gene. RNA analysis indicates that disruption of this splice site induces altered splicing and may result in an absent or altered protein product. This variant is not present in population databases (gnomAD no frequency). Disruption of this splice site has been observed in individual(s) with breast and/or ovarian cancer (PMID: 10755399, 19912264, 20215541, 22460208, 23479189, 27062684). It has also been observed to segregate with disease in related individuals. This variant is also known as c.5272-1G>A. ClinVar contains an entry for this variant (Variation ID: 55429). Studies have shown that disruption of this splice site alters mRNA splicing and is expected to lead to the loss of protein expression (PMID: 20215541, 24667779, 30209399; internal data). For these reasons, this variant has been classified as Pathogenic.

Quest Diagnostics Nichols Institute San Juan Capistrano
Classification: Pathogenic. Last evaluated: 2025-01-17. Review status: criteria provided, single submitter. Criteria: Quest Diagnostics criteria. Collection method: clinical testing. Allele origin: unknown. Not counted in ClinVar's aggregate classification.
Comment: The BRCA1 c.5153-1G>A variant disrupts a canonical splice-acceptor site and interferes with normal BRCA1 mRNA splicing. This variant has been reported in the published literature in individuals with breast and/or ovarian cancer (PMID: 33471991 (2021), 23479189 (2013), 16758124 (2006), 12955716 (2003), 10755399 (2000), see also LOVD). Assessment of experimental evidence suggests this variant results in abnormal RNA splicing (PMID: 24667779 (2014), 20215541 (2010)). This variant has not been reported in large, multi-ethnic general populations (Genome Aggregation Database). Based on the available information, this variant is classified as pathogenic.

Ambry Genetics
Classification: Pathogenic for Hereditary cancer-predisposing syndrome. Last evaluated: 2024-12-10. Review status: criteria provided, single submitter. Criteria: Ambry Variant Classification Scheme 2023. Collection method: clinical testing. Allele origin: germline. Not counted in ClinVar's aggregate classification.
Comment: The c.5153-1G>A intronic pathogenic mutation results from a G to A substitution one nucleotide upstream from coding exon 17 of the BRCA1 gene. This alteration has been seen in many hereditary breast and ovarian cancer families and is a putative Spanish founder mutation (Infante M et al. Clin. Genet., 2010 Jan;77:60-9; de Juan Jim&eacute;nez I et al. Fam. Cancer, 2013 Dec;12:767-77; Azzollini J et al. Eur. J. Intern. Med., 2016 Jul;32:65-71). RNA splicing assays have demonstrated aberrant splicing of a single nucleotide deletion resulting in a transcript subject to nonsense-mediated decay (Ambry internal data; Sanz DJ et al. Clin. Cancer Res., 2010 Mar;16:1957-67; Steffensen AY et al. Eur. J. Hum. Genet., 2014 Dec;22:1362-8). In silico splice site analysis predicts that this alteration will weaken the native splice acceptor site and will result in the creation or strengthening of a novel splice acceptor site. In addition to the clinical data presented in the literature, alterations that disrupt the canonical splice site are expected to cause aberrant splicing, resulting in an abnormal protein or a transcript that is subject to nonsense-mediated mRNA decay. As such, this alteration is classified as a disease-causing mutation.

Department of Pathology and Laboratory Medicine, Sinai Health System
Classification: Pathogenic for Familial cancer of breast; Breast-ovarian cancer, familial, susceptibility to, 1; Fanconi anemia, complementation group S. Last evaluated: 2023-05-24. Review status: criteria provided, single submitter. Criteria: ACMG Guidelines, 2015. Collection method: clinical testing. Allele origin: germline. Not counted in ClinVar's aggregate classification.

Baylor Genetics
Classification: Pathogenic for Breast-ovarian cancer, familial, susceptibility to, 1. Last evaluated: 2023-03-13. Review status: criteria provided, single submitter. Criteria: ACMG Guidelines, 2015. Collection method: clinical testing. Allele origin: unknown. Not counted in ClinVar's aggregate classification.

GeneDx
Classification: Pathogenic. Last evaluated: 2017-10-17. Review status: criteria provided, single submitter. Criteria: GeneDx Variant Classification (06012015). Collection method: clinical testing. Allele origin: germline. Affected: yes. Not counted in ClinVar's aggregate classification.
Comment: This variant is denoted BRCA1 c.5153-1G>A or IVS17-1G>A and consists of a G>A nucleotidesubstitution at the -1 position of intron 17 of the BRCA1 gene. Using alternate nomenclature, this variant haspreviously been published as BRCA1 5272-1G>A. This variant destroys a canonical splice acceptor site and has beenshown to cause abnormal splicing, leading to either an abnormal message that is subject to nonsense-mediated mRNAdecay or to an abnormal protein product (Beristain 2007, Sanz 2010, Steffensen 2014). This variant has beenreported in several breast/ovarian cancer families, and is considered a founder variant in certain Spanish populations(Osorio 2000, de la Hoya 2002, Diez 2003, Infante 2006, Infante 2010, de Juan Jimenez 2013, Hasmad 2015). Basedon the current evidence, we consider this variant to be pathogenic

Consortium of Investigators of Modifiers of BRCA1/2 (CIMBA), c/o University of Cambridge
Classification: Pathogenic for Breast-ovarian cancer, familial, susceptibility to, 1. Last evaluated: 2015-10-02. Review status: criteria provided, single submitter. Criteria: CIMBA Mutation Classification guidelines May 2016. Collection method: clinical testing. Allele origin: germline. Not counted in ClinVar's aggregate classification.

Clinical Genetics DNA and cytogenetics Diagnostics Lab, Erasmus MC, Erasmus Medical Center
Classification: Pathogenic for Breast-ovarian cancer, familial, susceptibility to, 1. Last evaluated: 2015-09-21. Review status: criteria provided, single submitter. Criteria: ACGS Guidelines, 2013. Collection method: clinical testing. Allele origin: germline. Affected: yes. Study: VKGL Data-share Consensus. Not counted in ClinVar's aggregate classification.

Research Molecular Genetics Laboratory, Women's College Hospital, University of Toronto
Classification: Pathogenic for Hereditary breast ovarian cancer syndrome. Last evaluated: 2014-01-31. Review status: no assertion criteria provided. Collection method: research. Allele origin: germline. Affected: yes. Study: The Canadian Open Genetics Repository (COGR). Not counted in ClinVar's aggregate classification.

Breast Cancer Information Core (BIC) (BRCA1)
Classification: Pathogenic for Breast-ovarian cancer, familial 1. Last evaluated: 1999-12-30. Review status: no assertion criteria provided. Collection method: clinical testing. Allele origin: germline. Affected: yes. Observed: 5 variant alleles. Not counted in ClinVar's aggregate classification.

Brotman Baty Institute, University of Washington
No classification provided (evidence only). Condition: Breast-ovarian cancer, familial 1. Review status: no classification provided. Collection method: in vitro. Allele origin: not applicable. Functional consequence: functionally_abnormal. Not counted in ClinVar's aggregate classification.
ClinVar note: "not provided" was previously submitted as the classification for the variant. However, the classification appeared to be based only on an observation of functional data so it was converted to no classification on 2025-07-30.

Diagnostic Laboratory, Department of Genetics, University Medical Center Groningen
Classification: Pathogenic for Breast-ovarian cancer, familial, susceptibility to, 1. Review status: no assertion criteria provided. Collection method: clinical testing. Allele origin: germline. Affected: yes. Study: VKGL Data-share Consensus. Not counted in ClinVar's aggregate classification.

Literature cited by the submitters: PubMed 31131967 (cited by 3 submitters); PubMed 30209399 (cited by 3 submitters); PubMed 10755399 (cited by Labcorp Genetics (formerly Invitae), Labcorp and Quest Diagnostics Nichols Institute San Juan Capistrano); PubMed 19912264 (cited by 4 submitters); PubMed 20215541 (cited by 4 submitters); PubMed 22460208 (cited by Labcorp Genetics (formerly Invitae), Labcorp); PubMed 23479189 (cited by 3 submitters); PubMed 27062684 (cited by 4 submitters); PubMed 24667779 (cited by 4 submitters); PubMed 17262179 (cited by Quest Diagnostics Nichols Institute San Juan Capistrano); PubMed 12955716 (cited by Quest Diagnostics Nichols Institute San Juan Capistrano); PubMed 16758124 (cited by Quest Diagnostics Nichols Institute San Juan Capistrano); PubMed 33471991 (cited by Quest Diagnostics Nichols Institute San Juan Capistrano).